The following is an entry in ClinVar:

ClinVar aggregate classification (germline): Uncertain significance (1 of 4 stars; one submission).

Submission:

Labcorp Genetics (formerly Invitae), Labcorp
Classification: Uncertain significance. Last evaluated: 2021-08-31. Review status: criteria provided, single submitter. Criteria: Invitae Variant Classification Sherloc (09022015). Collection method: clinical testing. Allele origin: germline.
Comment: In summary, the available evidence is currently insufficient to determine the role of this variant in disease. Therefore, it has been classified as a Variant of Uncertain Significance. Algorithms developed to predict the effect of missense changes on protein structure and function are either unavailable or do not agree on the potential impact of this missense change (SIFT: "Deleterious"; PolyPhen-2: "Probably Damaging"; Align-GVGD: "Class C0"). This sequence change replaces aspartic acid with asparagine at codon 864 of the GUCY2C protein (p.Asp864Asn). The aspartic acid residue is highly conserved and there is a small physicochemical difference between aspartic acid and asparagine. This variant is not present in population databases (ExAC no frequency). This variant has not been reported in the literature in individuals affected with GUCY2C-related conditions.

NM_004963.4(GUCY2C):c.2590G>A (p.Asp864Asn)

Gene: GUCY2C (guanylate cyclase 2C; minus strand). Cytogenetic location: 12p12.3.
Variant type: single nucleotide variant.
Coding change: c.2590G>A on transcript NM_004963.4 (MANE Select); coding-DNA position 2590, G replaced by A.
Protein change: p.Asp864Asn; replaces aspartic acid 864 with asparagine.
Molecular consequence: missense variant.
Genome position (GRCh38, 1-based): chr12:14,622,016, C>T on the plus strand (G>A on the coding strand, the complement: GUCY2C is on the minus strand). VCF-style: chr12-14622016-C-T. GRCh37 (hg19) VCF-style: chr12-14774950-C-T.
Other names: short protein forms D864N.
Identifiers: ClinVar variation 1516526 (VCV001516526.6), dbSNP rs2136982676, ClinGen allele CA383994914.